The following is an entry in ClinVar:

ClinVar aggregate classification (germline): Uncertain significance (1 of 4 stars; one submission).

Conditions:
Charcot-Marie-Tooth disease axonal type 2O. Also called: CHARCOT-MARIE-TOOTH NEUROPATHY, AXONAL, TYPE 2O; CHARCOT-MARIE-TOOTH DISEASE, AXONAL, AUTOSOMAL DOMINANT, TYPE 2O; Charcot-Marie-Tooth disease, axonal, type 20; Charcot-Marie-Tooth Neuropathy Type 2O. Identifiers: Orphanet 284232, MedGen C3280220, MONDO:0013644, OMIM 614228.

Allele frequency attached by ClinVar (database versions not stated): gnomAD exomes below 0.00001.
gnomAD v4.1: 1 of 1,600,074 alleles (0.000062%); highest among the groups gnomAD compares: African/African-American, 0.0013%; no homozygotes.

Submission:

Labcorp Genetics (formerly Invitae), Labcorp
Classification: Uncertain significance for Charcot-Marie-Tooth disease axonal type 2O. Last evaluated: 2022-03-08. Review status: criteria provided, single submitter. Criteria: Invitae Variant Classification Sherloc (09022015). Collection method: clinical testing. Allele origin: germline.
Comment: In summary, the available evidence is currently insufficient to determine the role of this variant in disease. Therefore, it has been classified as a Variant of Uncertain Significance. Advanced modeling of protein sequence and biophysical properties (such as structural, functional, and spatial information, amino acid conservation, physicochemical variation, residue mobility, and thermodynamic stability) performed at Invitae indicates that this missense variant is not expected to disrupt DYNC1H1 protein function. This variant has not been reported in the literature in individuals affected with DYNC1H1-related conditions. This variant is not present in population databases (gnomAD no frequency). This sequence change replaces glutamine, which is neutral and polar, with arginine, which is basic and polar, at codon 22 of the DYNC1H1 protein (p.Gln22Arg).

NM_001376.5(DYNC1H1):c.65A>G (p.Gln22Arg)

Gene: DYNC1H1 (dynein cytoplasmic 1 heavy chain 1; plus strand). Cytogenetic location: 14q32.31.
Variant type: single nucleotide variant.
Coding change: c.65A>G on transcript NM_001376.5 (MANE Select); coding-DNA position 65, A replaced by G.
Protein change: p.Gln22Arg; replaces glutamine 22 with arginine.
Molecular consequence: missense variant.
Genome position (GRCh38, 1-based): chr14:101,964,756, A>G. VCF-style: chr14-101964756-A-G. GRCh37 (hg19) VCF-style: chr14-102431093-A-G.
Other names: short protein forms Q22R.
Identifiers: ClinVar variation 1449399 (VCV001449399.8), dbSNP rs2141258494, ClinGen allele CA391003120.
Genomic context (GRCh38, chr14:101,964,756, plus strand): 5'-CGGAGCCCGGGGGCGGCGGCGGCGAGGACGGCTCGGCCGGATTGGAAGTGTCGGCCGTGC[A>G]GAATGTGGCGGACGTGTCGGTGCTGCAGAAGCACCTGCGCAAGCTGGTGCCGCTGCTGCT-3'
Protein context (NP_001367.2, residues 12-32): GSAGLEVSAV[Gln22Arg]NVADVSVLQK